The following is an entry in ClinVar:

NM_001111.5(ADAR):c.2662G>C (p.Gly888Arg)

Genes: ADAR (adenosine deaminase RNA specific; minus strand), LOC126805874 (CDK7 strongly-dependent group 2 enhancer GRCh37_chr1:154561176-154562375; plus strand). Cytogenetic location: 1q21.3.
Variant type: single nucleotide variant.
Coding change: c.2662G>C on transcript NM_001111.5 (MANE Select); coding-DNA position 2662, G replaced by C.
Protein change: p.Gly888Arg; replaces glycine 888 with arginine.
Molecular consequence: missense variant.
Genome position (GRCh38, 1-based): chr1:154,589,763, C>G on the plus strand (G>C on the coding strand, the complement: ADAR is on the minus strand). VCF-style: chr1-154589763-C-G. GRCh37 (hg19) VCF-style: chr1-154562239-C-G.
Other names: c.1777G>C, p.Gly593Arg (NM_001193495.2, NM_001365046.1, NM_001365047.1 and 2 more transcripts); c.2689G>C, p.Gly897Arg (NM_001365045.1); c.1699G>C, p.Gly567Arg (NM_001365049.1); c.2584G>C, p.Gly862Arg (NM_015840.4); c.2527G>C, p.Gly843Arg (NM_015841.4); short protein forms G593R, G888R, G897R, G862R, G567R, G843R.
Identifiers: ClinVar variation 2944550 (VCV002944550.3), dbSNP rs2526512451, ClinGen allele CA342636754.
Genomic context (GRCh38, chr1:154,589,763, plus strand): 5'-AGGCACCCGCTTTCAGGCGCCATGGGAGGCGGCATGTCTCAGAGCCTCACTCACCTGTTC[C>G]CAAGCTGACGACGACACCCATGTCCTCAGAGTCTTTTTTCATAATGATGGCGGCCAGAAT-3'
Protein context (NP_001102.3, residues 878-898): SEDMGVVVSL[Gly888Arg]TGNRCVKGDS

ClinVar aggregate classification (germline): Uncertain significance (1 of 4 stars; one submission).

Conditions:
Symmetrical dyschromatosis of extremities (DSH). Also called: DYSCHROMATOSIS SYMMETRICA HEREDITARIA 1; RETICULATE ACROPIGMENTATION OF DOHI; SYMMETRIC DYSCHROMATOSIS OF THE EXTREMITIES; Dyschromatosis symmetrica hereditaria. Identifiers: Orphanet 41, MedGen C0406775, MONDO:0007483, OMIM 127400.
Aicardi-Goutieres syndrome 6 (AGS6). Identifiers: Orphanet 51, MedGen C3539013, MONDO:0014007, OMIM 615010.

Submission:

Labcorp Genetics (formerly Invitae), Labcorp
Classification: Uncertain significance for Aicardi-Goutieres syndrome 6; Symmetrical dyschromatosis of extremities. Last evaluated: 2023-02-20. Review status: criteria provided, single submitter. Criteria: Invitae Variant Classification Sherloc (09022015). Collection method: clinical testing. Allele origin: germline.
Comment: In summary, the available evidence is currently insufficient to determine the role of this variant in disease. Therefore, it has been classified as a Variant of Uncertain Significance. Advanced modeling of protein sequence and biophysical properties (such as structural, functional, and spatial information, amino acid conservation, physicochemical variation, residue mobility, and thermodynamic stability) has been performed at Invitae for this missense variant, however the output from this modeling did not meet the statistical confidence thresholds required to predict the impact of this variant on ADAR protein function. This variant has not been reported in the literature in individuals affected with ADAR-related conditions. This variant is not present in population databases (gnomAD no frequency). This sequence change replaces glycine, which is neutral and non-polar, with arginine, which is basic and polar, at codon 888 of the ADAR protein (p.Gly888Arg).